The following is an entry in ClinVar:

ClinVar aggregate classification (germline): Likely benign. Review status: criteria provided, multiple submitters, no conflicts (2 of 4 stars). 4 submissions from 4 submitters: Likely benign (4). Last evaluated 2025-07-01.

Conditions:
Polycystic kidney disease, adult type (PKD1). Also called: POLYCYSTIC KIDNEY DISEASE 1 WITH OR WITHOUT POLYCYSTIC LIVER DISEASE; Polycystic Kidney Disease 1, Autosomal Dominant; Polycystic kidney disease 1; Polycystic kidney disease 1, severe; Polycystic Kidney, Autosomal Dominant; POLYCYSTIC KIDNEY DISEASE, ADULT, TYPE I. Identifiers: MedGen C3149841, MONDO:0008263, OMIM 173900.

Allele frequency attached by ClinVar (database versions not stated): gnomAD exomes 0.00013; gnomAD 0.00011; ExAC 0.00012; TOPMed 0.00012.
gnomAD v4.1: 207 of 1,605,436 alleles (0.013%); highest among the groups gnomAD compares: Middle Eastern, 0.045%; no homozygotes.

Submissions (4):

CeGaT Center for Human Genetics Tuebingen
Classification: Likely benign. Last evaluated: 2025-07-01. Review status: criteria provided, single submitter. Criteria: CeGaT Center For Human Genetics Tuebingen Variant Classification Criteria Version 2. Collection method: clinical testing. Allele origin: germline. Affected: yes. Observed: 1 variant allele.
Comment: PKD1: BP4, BP7

Blueprint Genetics
Classification: Likely benign. Last evaluated: 2024-10-15. Review status: criteria provided, single submitter. Criteria: ACMG Guidelines, 2015. Collection method: clinical testing. Allele origin: germline.

Fulgent Genetics
Classification: Likely benign for Polycystic kidney disease, adult type. Last evaluated: 2021-09-13. Review status: criteria provided, single submitter. Criteria: ACMG Guidelines, 2015. Collection method: clinical testing. Allele origin: unknown.

PreventionGenetics, part of Exact Sciences
Classification: Likely benign. Review status: criteria provided, single submitter. Criteria: ACMG Guidelines, 2015. Collection method: clinical testing. Allele origin: germline.

NM_001009944.3(PKD1):c.8712C>T (p.Ser2904=)

Gene: PKD1 (polycystin 1, transient receptor potential channel interacting; minus strand). Cytogenetic location: 16p13.3.
Variant type: single nucleotide variant.
Coding change: c.8712C>T on transcript NM_001009944.3 (MANE Select); coding-DNA position 8712, C replaced by T.
Protein change: p.Ser2904=; no amino-acid change (serine 2904 retained).
Molecular consequence: synonymous variant.
Genome position (GRCh38, 1-based): chr16:2,103,345, G>A on the plus strand (C>T on the coding strand, the complement: PKD1 is on the minus strand). VCF-style: chr16-2103345-G-A. GRCh37 (hg19) VCF-style: chr16-2153346-G-A.
Other names: c.8712C>T, p.Ser2904= (NM_000296.4).
Identifiers: ClinVar variation 257027 (VCV000257027.12), dbSNP rs757969966, ClinGen allele CA7830411.